The following is an entry in ClinVar:

ClinVar aggregate classification (germline): Pathogenic (1 of 4 stars; one submission).

Submission:

Labcorp Genetics (formerly Invitae), Labcorp
Classification: Pathogenic. Last evaluated: 2022-06-01. Review status: criteria provided, single submitter. Criteria: Invitae Variant Classification Sherloc (09022015). Collection method: clinical testing. Allele origin: germline.
Comment: For these reasons, this variant has been classified as Pathogenic. This variant has not been reported in the literature in individuals affected with PLG-related conditions. This variant is not present in population databases (gnomAD no frequency). This sequence change creates a premature translational stop signal (p.Cys206*) in the PLG gene. It is expected to result in an absent or disrupted protein product. Loss-of-function variants in PLG are known to be pathogenic (PMID: 16849641).

Literature cited by the submitters: PubMed 16849641.

NM_000301.5(PLG):c.618C>A (p.Cys206Ter)

Gene: PLG (plasminogen; plus strand). Cytogenetic location: 6q26.
Variant type: single nucleotide variant.
Coding change: c.618C>A on transcript NM_000301.5 (MANE Select); coding-DNA position 618, C replaced by A.
Protein change: p.Cys206Ter; replaces cysteine 206 with a stop codon.
Molecular consequence: nonsense.
Genome position (GRCh38, 1-based): chr6:160,714,864, C>A. VCF-style: chr6-160714864-C-A. GRCh37 (hg19) VCF-style: chr6-161135896-C-A.
Other names: short protein forms C206*.
Identifiers: ClinVar variation 2001679 (VCV002001679.4), dbSNP rs1385652944, ClinGen allele CA366362084.